The following is an entry in ClinVar:

ClinVar aggregate classification (germline): Uncertain significance. Review status: criteria provided, multiple submitters, no conflicts (2 of 4 stars). 2 submissions from 2 submitters: Uncertain significance (2). Last evaluated 2025-10-09.

Allele frequency attached by ClinVar (database versions not stated): gnomAD 0.00010 and 0.00009; gnomAD exomes below 0.00001; ExAC 0.00001; ESP Exome Variant Server 0.00008; TOPMed 0.00008.
gnomAD v4.1: 16 of 1,611,284 alleles (0.00099%); highest among the groups gnomAD compares: African/African-American, 0.02%; no homozygotes.

Submissions (2):

Labcorp Genetics (formerly Invitae), Labcorp
Classification: Uncertain significance. Last evaluated: 2025-10-09. Review status: criteria provided, single submitter. Criteria: Invitae Variant Classification Sherloc (09022015). Collection method: clinical testing. Allele origin: germline.
Comment: This sequence change replaces threonine, which is neutral and polar, with isoleucine, which is neutral and non-polar, at codon 1238 of the A2ML1 protein (p.Thr1238Ile). This variant is present in population databases (rs368827993, gnomAD 0.03%). This variant has not been reported in the literature in individuals affected with A2ML1-related conditions. ClinVar contains an entry for this variant (Variation ID: 1403693). An algorithm developed to predict the effect of missense changes on protein structure and function (PolyPhen-2) suggests that this variant is likely to be disruptive. In summary, the available evidence is currently insufficient to determine the role of this variant in disease. Therefore, it has been classified as a Variant of Uncertain Significance.

Ambry Genetics
Classification: Uncertain significance. Last evaluated: 2025-07-03. Review status: criteria provided, single submitter. Criteria: Ambry Variant Classification Scheme 2023. Collection method: clinical testing. Allele origin: germline.
Comment: The p.T1238I variant (also known as c.3713C>T), located in coding exon 29 of the A2ML1 gene, results from a C to T substitution at nucleotide position 3713. The threonine at codon 1238 is replaced by isoleucine, an amino acid with similar properties. This amino acid position is conserved. In addition, the in silico prediction for this alteration is inconclusive. Since supporting evidence is limited at this time, the clinical significance of this alteration remains unclear.

NM_144670.6(A2ML1):c.3713C>T (p.Thr1238Ile)

Gene: A2ML1 (alpha-2-macroglobulin like 1; plus strand). Cytogenetic location: 12p13.31.
Variant type: single nucleotide variant.
Coding change: c.3713C>T on transcript NM_144670.6 (MANE Select); coding-DNA position 3713, C replaced by T.
Protein change: p.Thr1238Ile; replaces threonine 1238 with isoleucine.
Molecular consequence: missense variant.
Genome position (GRCh38, 1-based): chr12:8,864,004, C>T. VCF-style: chr12-8864004-C-T. GRCh37 (hg19) VCF-style: chr12-9016600-C-T.
Other names: c.2240C>T, p.Thr747Ile (NM_001282424.3); short protein forms T1238I, T747I.
Identifiers: ClinVar variation 1403693 (VCV001403693.10), dbSNP rs368827993, ClinGen allele CA6436449.